The following is an entry in ClinVar:

ClinVar aggregate classification (germline): Pathogenic (1 of 4 stars; one submission).

Submission:

Labcorp Genetics (formerly Invitae), Labcorp
Classification: Pathogenic. Last evaluated: 2024-04-17. Review status: criteria provided, single submitter. Criteria: Invitae Variant Classification Sherloc (09022015). Collection method: clinical testing. Allele origin: germline.
Comment: This sequence change creates a premature translational stop signal (p.Arg422Thrfs*24) in the ALPK3 gene. It is expected to result in an absent or disrupted protein product. Loss-of-function variants in ALPK3 are known to be pathogenic (PMID: 21441111, 26846950, 27106955, 34263907). This variant is not present in population databases (gnomAD no frequency). This variant has not been reported in the literature in individuals affected with ALPK3-related conditions. For these reasons, this variant has been classified as Pathogenic.

Literature cited by the submitters: PubMed 21441111; PubMed 26846950; PubMed 27106955; PubMed 34263907.

NM_020778.5(ALPK3):c.657_658insA (p.Arg220fs)

Gene: ALPK3 (alpha kinase 3; plus strand). Cytogenetic location: 15q25.3.
Variant type: Insertion.
Coding change: c.657_658insA on transcript NM_020778.5 (MANE Select); coding-DNA positions 657 to 658, A inserted.
Protein change: p.Arg220fs; shifts the reading frame from arginine 220.
Molecular consequence: frameshift variant.
Genome position: GRCh38 VCF-style: chr15-84839936-C-CA. GRCh37 (hg19) VCF-style: chr15-85383167-C-CA.
Other names: short protein forms R220fs.
Identifiers: ClinVar variation 3650223 (VCV003650223.2).